The following is an entry in ClinVar:

NM_001145026.2(PTPRQ):c.2172A>T (p.Leu724Phe)

Gene: PTPRQ (protein tyrosine phosphatase receptor type Q; plus strand). Cytogenetic location: 12q21.31.
Variant type: single nucleotide variant.
Coding change: c.2172A>T on transcript NM_001145026.2 (MANE Select); coding-DNA position 2172, A replaced by T.
Protein change: p.Leu724Phe; replaces leucine 724 with phenylalanine.
Molecular consequence: missense variant.
Genome position (GRCh38, 1-based): chr12:80,496,431, A>T. VCF-style: chr12-80496431-A-T. GRCh37 (hg19) VCF-style: chr12-80890210-A-T.
Other names: short protein forms L724F.
Identifiers: ClinVar variation 2635778 (VCV002635778.1), dbSNP rs1231209761, ClinGen allele CA385887807.

ClinVar aggregate classification (germline): Uncertain significance (1 of 4 stars; one submission).

Conditions:
PTPRQ-related disorder. Also called: PTPRQ-related condition.

Allele frequency attached by ClinVar (database versions not stated): gnomAD 0.00001; TOPMed 0.00001; gnomAD exomes 0.00004.
gnomAD v4.1: 56 of 1,550,758 alleles (0.0036%); highest among the groups gnomAD compares: Non-Finnish European, 0.0047%; no homozygotes.

Submission:

PreventionGenetics, part of Exact Sciences
Classification: Uncertain significance for PTPRQ-related condition. Last evaluated: 2023-07-21. Review status: criteria provided, single submitter. Criteria: ACMG Guidelines, 2015. Collection method: clinical testing. Allele origin: germline.
Comment: The PTPRQ c.2172A>T variant is predicted to result in the amino acid substitution p.Leu724Phe. To our knowledge, this variant has not been reported in the literature. This variant is reported in 0.0039% of alleles in individuals of Latino descent in gnomAD. At this time, the clinical significance of this variant is uncertain due to the absence of conclusive functional and genetic evidence.